The following is an entry in ClinVar:

NM_005573.4(LMNB1):c.360-8T>C

Gene: LMNB1 (lamin B1; plus strand). Cytogenetic location: 5q23.2.
Variant type: single nucleotide variant.
Coding change: c.360-8T>C on transcript NM_005573.4 (MANE Select); 8 bases into the intron before coding-DNA position 360, T replaced by C.
Molecular consequence: intron variant.
Genome position (GRCh38, 1-based): chr5:126,804,768, T>C. VCF-style: chr5-126804768-T-C. GRCh37 (hg19) VCF-style: chr5-126140460-T-C.
Other names: c.-271-8T>C (NM_001198557.2).
Identifiers: ClinVar variation 1032338 (VCV001032338.1), dbSNP rs376081850, ClinGen allele CA126913234.

ClinVar aggregate classification (germline): Uncertain significance (1 of 4 stars; one submission).

Conditions:
Adult-onset autosomal dominant demyelinating leukodystrophy. Identifiers: Orphanet 99027, MedGen C1868512, MONDO:0008215.

Allele frequency attached by ClinVar (database versions not stated): TOPMed 0.00001; gnomAD exomes 0.00002; ESP Exome Variant Server 0.00008.
gnomAD v4.1: 33 of 1,612,788 alleles (0.002%); highest among the groups gnomAD compares: Non-Finnish European, 0.0025%; no homozygotes.

Submission:

Baylor Genetics
Classification: Uncertain significance for Leukodystrophy, demyelinating, adult-onset, autosomal dominant, typical. Last evaluated: 2018-05-07. Review status: criteria provided, single submitter. Criteria: ACMG Guidelines, 2015. Collection method: clinical testing. Allele origin: unknown. Affected: yes.
Comment: This variant was determined to be of uncertain significance according to ACMG Guidelines, 2015 [PMID:25741868].